The following is an entry in ClinVar:

ClinVar aggregate classification (germline): Uncertain significance (1 of 4 stars; one submission).

Submission:

GeneDx
Classification: Uncertain significance. Last evaluated: 2026-02-04. Review status: criteria provided, single submitter. Criteria: GeneDx Variant Classification Process June 2021. Collection method: clinical testing. Allele origin: germline.
Comment: Not observed at significant frequency in large population cohorts (gnomAD); In silico analysis supports that this missense variant has a deleterious effect on protein structure/function; Has not been previously published as pathogenic or benign to our knowledge

NM_004408.4(DNM1):c.739G>A (p.Asp247Asn)

Gene: DNM1 (dynamin 1; plus strand). Cytogenetic location: 9q34.11.
Variant type: single nucleotide variant.
Coding change: c.739G>A on transcript NM_004408.4 (MANE Select); coding-DNA position 739, G replaced by A.
Protein change: p.Asp247Asn; replaces aspartic acid 247 with asparagine.
Molecular consequence: missense variant.
Genome position (GRCh38, 1-based): chr9:128,220,231, G>A. VCF-style: chr9-128220231-G-A. GRCh37 (hg19) VCF-style: chr9-130982510-G-A.
Other names: c.739G>A, p.Asp247Asn (NM_001005336.3, NM_001288737.2, NM_001288738.2 and 2 more transcripts); short protein forms D247N.
Identifiers: ClinVar variation 2662564 (VCV002662564.2), dbSNP rs2538985052, ClinGen allele CA375013187.
Genomic context (GRCh38, chr9:128,220,231, plus strand): 5'-CTGTTCACAGGCTACATTGGAGTGGTGAACCGGAGCCAGAAGGACATTGATGGCAAGAAG[G>A]ACATTACCGCCGCCTTGGCTGCTGAACGAAAGTTCTTCCTCTCCCATCCATCTTATCGCC-3'
Protein context (NP_004399.2, residues 237-257): RSQKDIDGKK[Asp247Asn]ITAALAAERK